The following is an entry in ClinVar:

NM_006088.6(TUBB4B):c.1146C>T (p.Ser382=)

Gene: TUBB4B (tubulin beta 4B class IVb; plus strand). Cytogenetic location: 9q34.3.
Variant type: single nucleotide variant.
Coding change: c.1146C>T on transcript NM_006088.6 (MANE Select); coding-DNA position 1146, C replaced by T.
Protein change: p.Ser382=; no amino-acid change (serine 382 retained).
Molecular consequence: synonymous variant.
Genome position (GRCh38, 1-based): chr9:137,243,364, C>T. VCF-style: chr9-137243364-C-T. GRCh37 (hg19) VCF-style: chr9-140137816-C-T.
Other names: c.1146C>T (NM_006088.5).
Identifiers: ClinVar variation 2721197 (VCV002721197.5), dbSNP rs149615824, ClinGen allele CA5365476.

ClinVar aggregate classification (germline): Likely benign. Review status: criteria provided, multiple submitters, no conflicts (2 of 4 stars). 3 submissions from 3 submitters: Likely benign (3). Last evaluated 2026-06-04.

Conditions:
TUBB4B-related disorder. Also called: TUBB4B-related condition.

Allele frequency attached by ClinVar (database versions not stated): gnomAD exomes 0.00009; gnomAD 0.00013; ExAC 0.00017; ESP Exome Variant Server 0.00023.

Submissions (3):

PreventionGenetics, part of Exact Sciences
Classification: Likely benign for TUBB4B-related condition. Last evaluated: 2026-06-04. Review status: criteria provided, single submitter. Criteria: ACMG Guidelines, 2015. Collection method: clinical testing. Allele origin: germline.
Comment: This variant is classified as likely benign based on ACMG/AMP sequence variant interpretation guidelines (Richards et al. 2015 PMID: 25741868, with internal and published modifications).

Labcorp Genetics (formerly Invitae), Labcorp
Classification: Likely benign. Last evaluated: 2025-04-01. Review status: criteria provided, single submitter. Criteria: Invitae Variant Classification Sherloc (09022015). Collection method: clinical testing. Allele origin: germline.

Blueprint Genetics
Classification: Likely benign. Last evaluated: 2024-09-30. Review status: criteria provided, single submitter. Criteria: ACMG Guidelines, 2015. Collection method: clinical testing. Allele origin: germline.